The following is an entry in ClinVar:

ClinVar aggregate classification (germline): Uncertain significance (1 of 4 stars; one submission).

Conditions:
Hereditary cancer-predisposing syndrome. Also called: Neoplastic Syndromes, Hereditary; Hereditary Cancer Syndrome; Hereditary neoplastic syndrome; Tumor predisposition. Identifiers: Orphanet 140162, MedGen C0027672, MeSH D009386, MONDO:0015356.

Submission:

Ambry Genetics
Classification: Uncertain significance for Hereditary cancer-predisposing syndrome. Last evaluated: 2023-05-11. Review status: criteria provided, single submitter. Criteria: Ambry Variant Classification Scheme 2023. Collection method: clinical testing. Allele origin: germline.
Comment: The p.E393D variant (also known as c.1179G>T), located in coding exon 4 of the AXIN2 gene, results from a G to T substitution at nucleotide position 1179. The glutamic acid at codon 393 is replaced by aspartic acid, an amino acid with highly similar properties. This amino acid position is conserved. In addition, the in silico prediction for this alteration is inconclusive. Since supporting evidence is limited at this time, the clinical significance of this alteration remains unclear.

NM_004655.4(AXIN2):c.1179G>T (p.Glu393Asp)

Gene: AXIN2 (axin 2; minus strand). Cytogenetic location: 17q24.1.
Variant type: single nucleotide variant.
Coding change: c.1179G>T on transcript NM_004655.4 (MANE Select); coding-DNA position 1179, G replaced by T.
Protein change: p.Glu393Asp; replaces glutamic acid 393 with aspartic acid.
Molecular consequence: missense variant.
Genome position (GRCh38, 1-based): chr17:65,538,224, C>A on the plus strand (G>T on the coding strand, the complement: AXIN2 is on the minus strand). VCF-style: chr17-65538224-C-A. GRCh37 (hg19) VCF-style: chr17-63534342-C-A.
Other names: c.1179G>T, p.Glu393Asp (NM_001363813.1); short protein forms E393D.
Identifiers: ClinVar variation 2566128 (VCV002566128.2), dbSNP rs922684515, ClinGen allele CA400678185.